The following is an entry in ClinVar:

NM_016203.4(PRKAG2):c.1436T>C (p.Ile479Thr)

Gene: PRKAG2 (protein kinase AMP-activated non-catalytic subunit gamma 2; minus strand). Cytogenetic location: 7q36.1.
Variant type: single nucleotide variant.
Coding change: c.1436T>C on transcript NM_016203.4 (MANE Select); coding-DNA position 1436, T replaced by C.
Protein change: p.Ile479Thr; replaces isoleucine 479 with threonine.
Molecular consequence: missense variant.
Genome position (GRCh38, 1-based): chr7:151,565,347, A>G on the plus strand (T>C on the coding strand, the complement: PRKAG2 is on the minus strand). VCF-style: chr7-151565347-A-G. GRCh37 (hg19) VCF-style: chr7-151262433-A-G.
Other names: c.1304T>C, p.Ile435Thr (NM_001040633.2); c.1061T>C, p.Ile354Thr (NM_001304527.2); c.713T>C, p.Ile238Thr (NM_001304531.2, NM_024429.2); c.1064T>C, p.Ile355Thr (NM_001363698.2); short protein forms I238T, I355T, I479T, I435T, I354T.
Identifiers: ClinVar variation 951642 (VCV000951642.1), dbSNP rs1806004431, ClinGen allele CA370070762.

ClinVar aggregate classification (germline): Uncertain significance (1 of 4 stars; one submission).

Conditions:
Lethal congenital glycogen storage disease of heart. Also called: GLYCOGEN STORAGE DISEASE OF HEART; PHOSPHORYLASE KINASE DEFICIENCY OF HEART. Identifiers: Orphanet 439854, MedGen C1849813, MONDO:0009867, OMIM 261740.

Submission:

Labcorp Genetics (formerly Invitae), Labcorp
Classification: Uncertain significance for Glycogen storage disease of heart, lethal congenital. Last evaluated: 2019-04-29. Review status: criteria provided, single submitter. Criteria: Invitae Variant Classification Sherloc (09022015). Collection method: clinical testing. Allele origin: germline.
Comment: This sequence change replaces isoleucine with threonine at codon 479 of the PRKAG2 protein (p.Ile479Thr). The isoleucine residue is highly conserved and there is a moderate physicochemical difference between isoleucine and threonine. This variant is not present in population databases (ExAC no frequency). This variant has been observed in an individual affected with hypertrophic cardiomyopathy (PMID: 27532257). Algorithms developed to predict the effect of missense changes on protein structure and function (SIFT, PolyPhen-2, Align-GVGD) all suggest that this variant is likely to be disruptive, but these predictions have not been confirmed by published functional studies and their clinical significance is uncertain. In summary, the available evidence is currently insufficient to determine the role of this variant in disease. Therefore, it has been classified as a Variant of Uncertain Significance.

Literature cited by the submitters: PubMed 27532257.